The following is an entry in ClinVar:

NM_004628.5(XPC):c.1969G>T (p.Glu657Ter)

Gene: XPC (XPC complex subunit, DNA damage recognition and repair factor; minus strand). Cytogenetic location: 3p25.1.
Variant type: single nucleotide variant.
Coding change: c.1969G>T on transcript NM_004628.5 (MANE Select); coding-DNA position 1969, G replaced by T.
Protein change: p.Glu657Ter; replaces glutamic acid 657 with a stop codon.
Molecular consequence: nonsense. On other transcripts: intron variant (1).
Genome position (GRCh38, 1-based): chr3:14,156,399, C>A on the plus strand (G>T on the coding strand, the complement: XPC is on the minus strand). VCF-style: chr3-14156399-C-A. GRCh37 (hg19) VCF-style: chr3-14197899-C-A.
Other names: c.1390G>T, p.Glu464Ter (NM_001354726.2); c.1951G>T, p.Glu651Ter (NM_001354729.2); c.1723G>T, p.Glu575Ter (NM_001354730.2); c.1872+1612G>T (NM_001354727.2); short protein forms E464*, E575*, E651*, E657*.
Identifiers: ClinVar variation 2431732 (VCV002431732.2), dbSNP rs759561565, ClinGen allele CA351538629.

ClinVar aggregate classification (germline): Likely pathogenic (1 of 4 stars; one submission).

Conditions:
Xeroderma pigmentosum, group C (XPC). Also called: Xeroderma pigmentosum, complementation group C; XERODERMA PIGMENTOSUM III; XP, GROUP C; XPC-Related Xeroderma Pigmentosum. Identifiers: Orphanet 910, MedGen C2752147, MONDO:0010211, OMIM 278720.

Submission:

Laboratorio de Genetica e Diagnostico Molecular, Hospital Israelita Albert Einstein
Classification: Likely pathogenic for Xeroderma pigmentosum, group C. Last evaluated: 2023-01-13. Review status: criteria provided, single submitter. Criteria: ACMG Guidelines, 2015. Collection method: clinical testing. Allele origin: germline. Affected: yes.
Comment: ACMG classification criteria: PVS1 very strong, PM2 moderated